The following is an entry in ClinVar:

ClinVar aggregate classification (germline): Likely benign (1 of 4 stars; one submission).

Submission:

CeGaT Center for Human Genetics Tuebingen
Classification: Likely benign. Last evaluated: 2023-04-01. Review status: criteria provided, single submitter. Criteria: CeGaT Center For Human Genetics Tuebingen Variant Classification Criteria Version 2. Collection method: clinical testing. Allele origin: germline. Affected: yes. Observed: 1 variant allele.
Comment: CAMTA1: PM2:Supporting, BP4, BP7

NM_015215.4(CAMTA1):c.3570A>G (p.Thr1190=)

Gene: CAMTA1 (calmodulin binding transcription activator 1; plus strand). Cytogenetic location: 1p36.23.
Variant type: single nucleotide variant.
Coding change: c.3570A>G on transcript NM_015215.4 (MANE Select); coding-DNA position 3570, A replaced by G.
Protein change: p.Thr1190=; no amino-acid change (threonine 1190 retained).
Molecular consequence: synonymous variant.
Genome position (GRCh38, 1-based): chr1:7,737,482, A>G. VCF-style: chr1-7737482-A-G. GRCh37 (hg19) VCF-style: chr1-7797542-A-G.
Other names: c.3480A>G, p.Thr1160= (NM_001349608.2, NM_001349612.2); c.3570A>G, p.Thr1190= (NM_001349609.2, NM_001349610.2, NM_001410737.1); c.699A>G, p.Thr233= (NM_001349613.1); c.642A>G, p.Thr214= (NM_001349614.1, NM_001349615.2, NM_001349616.2 and 10 more transcripts); c.3498A>G, p.Thr1166= (NM_001410738.1).
Identifiers: ClinVar variation 2638142 (VCV002638142.24), dbSNP rs1451015749, ClinGen allele CA415819945.